The following is an entry in ClinVar:

NM_001367624.2(ZNF469):c.1719C>T (p.His573=)

Gene: ZNF469 (zinc finger protein 469; plus strand). Cytogenetic location: 16q24.2.
Variant type: single nucleotide variant.
Coding change: c.1719C>T on transcript NM_001367624.2 (MANE Select); coding-DNA position 1719, C replaced by T.
Protein change: p.His573=; no amino-acid change (histidine 573 retained).
Molecular consequence: synonymous variant.
Genome position (GRCh38, 1-based): chr16:88,429,189, C>T. VCF-style: chr16-88429189-C-T. GRCh37 (hg19) VCF-style: chr16-88495597-C-T.
Other names: p.His573=.
Identifiers: ClinVar variation 320871 (VCV000320871.16), dbSNP rs552893295, ClinGen allele CA8224699.

ClinVar aggregate classification (germline): Likely benign. Review status: criteria provided, multiple submitters, no conflicts (2 of 4 stars). 4 submissions from 4 submitters: Likely benign (4). Last evaluated 2026-01-20.

Conditions:
Cardiovascular phenotype. Identifiers: MedGen CN230736.

Allele frequency attached by ClinVar (database versions not stated): gnomAD 0.00004; TOPMed 0.00005; ExAC 0.00008; 1000 Genomes Project 0.00020; 1000 Genomes Project 30x 0.00031.
gnomAD v4.1: 83 of 1,549,888 alleles (0.0054%); highest among the groups gnomAD compares: Admixed American, 0.0098%; no homozygotes.

Submissions (4):

Women's Health and Genetics/Laboratory Corporation of America, LabCorp
Classification: Likely benign. Last evaluated: 2026-01-20. Review status: criteria provided, single submitter. Criteria: LabCorp Variant Classification Summary - May 2015. Collection method: clinical testing. Allele origin: germline.

Labcorp Genetics (formerly Invitae), Labcorp
Classification: Likely benign. Last evaluated: 2025-12-03. Review status: criteria provided, single submitter. Criteria: Invitae Variant Classification Sherloc (09022015). Collection method: clinical testing. Allele origin: germline.

Mayo Clinic Laboratories, Mayo Clinic
Classification: Likely benign. Last evaluated: 2025-11-14. Review status: criteria provided, single submitter. Criteria: ACMG Guidelines, 2015. Collection method: clinical testing. Allele origin: germline. Observed: 1 variant allele.
Comment: BP4, BP7

Ambry Genetics
Classification: Likely benign for Cardiovascular phenotype. Last evaluated: 2019-05-25. Review status: criteria provided, single submitter. Criteria: Ambry Variant Classification Scheme 2023. Collection method: clinical testing. Allele origin: germline.